The following is an entry in ClinVar:

NM_177438.3(DICER1):c.2524del (p.Met842fs)

Gene: DICER1 (dicer 1, ribonuclease III; minus strand). Cytogenetic location: 14q32.13.
Variant type: Deletion.
Coding change: c.2524del on transcript NM_177438.3 (MANE Select); coding-DNA position 2524, one base deleted (A; older notation c.2524delA).
Protein change: p.Met842fs; shifts the reading frame from methionine 842.
Molecular consequence: frameshift variant.
Genome position (GRCh38, 1-based): chr14:95,108,006, T deleted on the plus strand (A on the coding strand, the reverse complement: DICER1 is on the minus strand); the first of 3 consecutive T bases (chr14:95,108,006-95,108,008); deleting any one gives the same sequence. VCF-style (leftmost placement, unchanged base first): chr14-95108005-AT-A. GRCh37 (hg19) VCF-style: chr14-95574342-AT-A.
Other names: NM_177438.3(DICER1):c.2524del; p.Met842fs; c.2524del, p.Met842fs (NM_001291628.2, NM_030621.4, NM_001195573.1 and 1 more transcripts); short protein forms M842fs.
Identifiers: ClinVar variation 1209876 (VCV001209876.3), dbSNP rs2140025249, ClinGen allele CA2499222808.
Genomic context (GRCh38, chr14:95,108,005, plus strand): 5'-TTTTCAAGCCGAAGAATATGTGAGAATATATACTGGTGAAGTCTTGTAATCAACTCAAGC[AT>A]TTGTAGAGACAACATGAAACCAGACTTCTTCAACTCAATGGATATGGTAACCTCTCCAGA-3'

ClinVar aggregate classification (germline): Pathogenic. Review status: reviewed by expert panel (3 of 4 stars). 3 submissions from 3 submitters: Pathogenic (1). 2 of the submissions do not count toward it. Last evaluated 2026-01-06.

Conditions:
DICER1-related tumor predisposition. Also called: DICER1-related pleuropulmonary blastoma cancer predisposition syndrome; DICER1 syndrome. Identifiers: Orphanet 284343, MedGen C3839822, MONDO:0100216.

Submissions (3):

ClinGen DICER1 and miRNA-Processing Gene Variant Curation Expert Panel, ClinGen
Classification: Pathogenic for DICER1-related tumor predisposition. Last evaluated: 2026-01-06. Review status: reviewed by expert panel. Criteria: ClinGen DICER1 ACMG Specifications DICER1 V1.4.0. Collection method: curation. Allele origin: germline. Inheritance: Autosomal dominant inheritance.
Comment: The NM_177438.2:c.2524del (p.Met842CysfsTer4) variant in DICER1 is a frameshift variant predicted to cause a premature stop codon in biologically-relevant exon 16/27 leading to nonsense-mediated decay in a gene in which loss-of-function is an established disease mechanism (PVS1). This variant received a total of 1 phenotype point(s) in one proband, meeting DICER1 VCEP phenotype specificity scoring criteria of 1-1.5 points (PS4_Supporting; Internal lab contributor). At least one patient with this variant was found to have a somatic second hit in a recognized DICER1 hotspot codon on tumor sequencing, which is highly specific for DICER1-related tumor predisposition (PP4, Internal lab contributor). This variant is absent from gnomAD v4.1.0 (PM2_Supporting). In summary, this variant meets the criteria to be classified as Pathogenic for DICER1-related tumor predisposition based on the ACMG/AMP criteria applied, as specified by the ClinGen DICER1 VCEP: PVS1, PP4, PS4_Supporting, PM2_Supporting (Bayesian Points: 11; VCEP specifications version 1.4.0; 01/06/2026)

Clinical Genetics DNA and cytogenetics Diagnostics Lab, Erasmus MC, Erasmus Medical Center
Classification: Pathogenic. Review status: no assertion criteria provided. Collection method: clinical testing. Allele origin: germline. Affected: yes. Study: VKGL Data-share Consensus. Not counted in ClinVar's aggregate classification.

Genome Diagnostics Laboratory, Amsterdam University Medical Center
Classification: Pathogenic. Review status: no assertion criteria provided. Collection method: clinical testing. Allele origin: germline. Affected: yes. Study: VKGL Data-share Consensus. Not counted in ClinVar's aggregate classification.